The following is an entry in ClinVar:

NM_000170.3(GLDC):c.959_960del (p.Phe320fs)

Gene: GLDC (glycine decarboxylase; minus strand). Cytogenetic location: 9p24.1.
Variant type: Deletion.
Coding change: c.959_960del on transcript NM_000170.3 (MANE Select); coding-DNA positions 959 to 960, 2 bases deleted (TT; older notation c.959_960delTT).
Protein change: p.Phe320fs; shifts the reading frame from phenylalanine 320.
Molecular consequence: frameshift variant.
Genome position (GRCh38, 1-based): chr9:6,604,686-6,604,687, AA deleted on the plus strand (TT on the coding strand, the reverse complement: GLDC is on the minus strand); deleting any 2 consecutive bases within chr9:6,604,686-6,604,688 gives the same sequence; the c. name uses the placement nearest the transcript's 3' end. VCF-style (leftmost placement, unchanged base first): chr9-6604685-CAA-C. GRCh37 (hg19) VCF-style: chr9-6604685-CAA-C.
Other names: short protein forms F320fs.
Identifiers: ClinVar variation 1725874 (VCV001725874.2), dbSNP rs2489103092, ClinGen allele CA2580080244.
Genomic context (GRCh38, chr9:6,604,685, plus strand): 5'-CCAAGCTTTCTCGGACAGCAAAAAATGCTGCATGGGGTCCCCCATAGCCCAGTGGCACTC[CAA>C]ATCTCTGGGAGCTGCCCAGGGCGATGTCTACCCCAAATTCTCCAGGTGGCCTCAAGATGC-3'

ClinVar aggregate classification (germline): Likely pathogenic (1 of 4 stars; one submission).

Conditions:
Glycine encephalopathy. Also called: Non-ketotic hyperglycinemia; Nonketotic hyperglycinemia. Identifiers: Orphanet 407, MedGen C0751748, MONDO:0011612, HP:0008288.

Submission:

Myriad Genetics, Inc.
Classification: Likely pathogenic for Glycine encephalopathy 1. Last evaluated: 2022-04-04. Review status: criteria provided, single submitter. Criteria: Myriad Women's Health Autosomal Recessive and X-Linked Classification Criteria (2021). Collection method: clinical testing. Allele origin: unknown.
Comment: NM_000170.2(GLDC):c.959_960delTT(F320Wfs*89) is expected to be pathogenic in the context of glycine encephalopathy, GLDC-related. This variant is predicted to lead to an abnormal or absent protein product due to the creation of a premature termination codon in GLDC, a gene where loss-of-function variants are known to be pathogenic. Please note: this variant was assessed in the context of healthy population screening.